The following is an entry in ClinVar:

ClinVar aggregate classification (germline): Pathogenic (1 of 4 stars; one submission).

Conditions:
Glycogen storage disease, type II (IOPD). Also called: Pompe Disease; CARDIOMEGALIA GLYCOGENICA DIFFUSA; GLYCOGENOSIS, GENERALIZED, CARDIAC FORM; GSD II; POMPE DISEASE, INFANTILE-ONSET; GLYCOGEN STORAGE DISEASE II, INFANTILE-ONSET. Identifiers: Orphanet 365, MedGen C0017921, MONDO:0009290, OMIM 232300.

Submission:

Genomenon, Inc
Classification: Pathogenic for Glycogen storage disease, type II. Last evaluated: 2026-07-01. Review status: criteria provided, single submitter. Criteria: Genomenon Sequence Variant Interpretation Standards - Updated. Collection method: curation. Allele origin: germline. Affected: yes.
Comment: GAA p.Arg229ProfsTer102 (c.685_686insCGGC) is a frameshift variant that is predicted to introduce a premature termination codon and result in a truncated or absent protein product. This variant has been observed in at least one proband with a GAA-related disorder in the compound heterozygous and/or homozygous state (PMID:25741864). It is absent or not present at a significant frequency in gnomAD. In conclusion, we classify GAA p.Arg229ProfsTer102 (c.685_686insCGGC) as a pathogenic variant.

Literature cited by the submitters: PubMed 25741864.

NM_000152.5(GAA):c.685_686insCGGC (p.Arg229fs)

Gene: GAA (alpha glucosidase; plus strand). Cytogenetic location: 17q25.3.
Variant type: Insertion.
Coding change: c.685_686insCGGC on transcript NM_000152.5 (MANE Select); coding-DNA positions 685 to 686, CGGC inserted.
Protein change: p.Arg229fs; shifts the reading frame from arginine 229.
Molecular consequence: frameshift variant.
Genome position: GRCh38 VCF-style: chr17-80105886-C-CCCGG. GRCh37 (hg19) VCF-style: chr17-78079685-C-CCCGG.
Other names: c.685_686insCGGC, p.Arg229fs (NM_001079803.3, NM_001079804.3, NM_001406741.1 and 1 more transcripts); short protein forms R229fs.
Identifiers: ClinVar variation 4876666 (VCV004876666.1).